The following is an entry in ClinVar:

NM_013447.4(ADGRE2):c.79A>G (p.Arg27Gly)

Gene: ADGRE2 (adhesion G protein-coupled receptor E2; minus strand). Cytogenetic location: 19p13.12.
Variant type: single nucleotide variant.
Coding change: c.79A>G on transcript NM_013447.4 (MANE Select); coding-DNA position 79, A replaced by G.
Protein change: p.Arg27Gly; replaces arginine 27 with glycine.
Molecular consequence: missense variant.
Genome position (GRCh38, 1-based): chr19:14,774,259, T>C on the plus strand (A>G on the coding strand, the complement: ADGRE2 is on the minus strand). VCF-style: chr19-14774259-T-C. GRCh37 (hg19) VCF-style: chr19-14885071-T-C.
Other names: c.79A>G (NM_013447.2); c.79A>G, p.Arg27Gly (NM_001271052.1, NM_152916.2, NM_152917.2); short protein forms R27G.
Identifiers: ClinVar variation 2993310 (VCV002993310.4), dbSNP rs769125578, ClinGen allele CA9258327.

ClinVar aggregate classification (germline): Uncertain significance. Review status: criteria provided, multiple submitters, no conflicts (2 of 4 stars). 2 submissions from 2 submitters: Uncertain significance (2). Last evaluated 2025-09-02.

Allele frequency attached by ClinVar (database versions not stated): gnomAD exomes below 0.00001; TOPMed 0.00001; ExAC 0.00002; gnomAD 0.00003.
gnomAD v4.1: 12 of 1,574,178 alleles (0.00076%); highest among the groups gnomAD compares: African/African-American, 0.0081%; no homozygotes.

Submissions (2):

Labcorp Genetics (formerly Invitae), Labcorp
Classification: Uncertain significance. Last evaluated: 2025-09-02. Review status: criteria provided, single submitter. Criteria: Invitae Variant Classification Sherloc (09022015). Collection method: clinical testing. Allele origin: germline.
Comment: This sequence change replaces arginine, which is basic and polar, with glycine, which is neutral and non-polar, at codon 27 of the ADGRE2 protein (p.Arg27Gly). This variant is present in population databases (rs769125578, gnomAD 0.01%). This variant has not been reported in the literature in individuals affected with ADGRE2-related conditions. ClinVar contains an entry for this variant (Variation ID: 2993310). An algorithm developed to predict the effect of missense changes on protein structure and function outputs the following: PolyPhen-2: "Benign". The glycine amino acid residue is found in multiple mammalian species, which suggests that this missense change does not adversely affect protein function. In summary, the available evidence is currently insufficient to determine the role of this variant in disease. Therefore, it has been classified as a Variant of Uncertain Significance.

Ambry Genetics
Classification: Uncertain significance. Last evaluated: 2024-06-07. Review status: criteria provided, single submitter. Criteria: Ambry Variant Classification Scheme 2023. Collection method: clinical testing. Allele origin: germline.